The following is an entry in ClinVar:

NM_001385026.1(PEAK1):c.4776G>A (p.Glu1592=)

Gene: PEAK1 (pseudopodium enriched atypical kinase 1; minus strand). Cytogenetic location: 15q24.3.
Variant type: single nucleotide variant.
Coding change: c.4776G>A on transcript NM_001385026.1 (MANE Select); coding-DNA position 4776, G replaced by A.
Protein change: p.Glu1592=; no amino-acid change (glutamic acid 1592 retained).
Molecular consequence: synonymous variant.
Genome position (GRCh38, 1-based): chr15:77,114,621, C>T on the plus strand (G>A on the coding strand, the complement: PEAK1 is on the minus strand). VCF-style: chr15-77114621-C-T. GRCh37 (hg19) VCF-style: chr15-77406963-C-T.
Other names: c.4776G>A, p.Glu1592= (NM_001387085.1, NM_001387086.1, NM_024776.5).
Identifiers: ClinVar variation 3057921 (VCV003057921.2), dbSNP rs377595863, ClinGen allele CA7676542.

ClinVar aggregate classification (germline): Likely benign (0 of 4 stars; one submission).

Conditions:
PEAK1-related disorder. Also called: PEAK1-related condition.

Allele frequency attached by ClinVar (database versions not stated): gnomAD exomes 0.00002; ExAC 0.00003; gnomAD 0.00005; 1000 Genomes Project 30x 0.00047; 1000 Genomes Project 0.00060.
gnomAD v4.1: 45 of 1,614,012 alleles (0.0028%); highest among the groups gnomAD compares: East Asian, 0.029%; no homozygotes.

Submission:

PreventionGenetics, part of Exact Sciences
Classification: Likely benign for PEAK1-related condition. Last evaluated: 2020-03-09. Review status: no assertion criteria provided. Collection method: clinical testing. Allele origin: germline.
Comment: This variant is classified as likely benign based on ACMG/AMP sequence variant interpretation guidelines (Richards et al. 2015 PMID: 25741868, with internal and published modifications).